The following is an entry in ClinVar:

ClinVar aggregate classification (germline): Pathogenic (1 of 4 stars; one submission).

Conditions:
DOCK2 deficiency. Also called: Immunodeficiency 40. Identifiers: Orphanet 447737, MedGen C4225328, MONDO:0014637, OMIM 616433.

Submission:

Genetics Laboratory, Department of Biology, Semnan University
Classification: Pathogenic for DOCK2 deficiency. Last evaluated: 2015-04-22. Review status: criteria provided, single submitter. Criteria: ACMG Guidelines, 2015. Collection method: case-control. Allele origin: inherited. Inheritance: Autosomal recessive inheritance. Affected: yes. Observed: 1 variant allele, 1 homozygote.
Comment: The WES revealed a deleterious mutation NM_004946:exon7:c.471-2A>G in the DOCK2 gene. Our review of public databases and the local population database did not identify any previous reports of this mutation. The mutation found was predicted to be disease-causing by in silico approaches. Moreover, Sanger sequencing confirmed the existence of the identified mutation and segregated with the autosomal recessive inheritance pattern of Mendelian disorders.

NM_004946.3(DOCK2):c.471-2A>G

Gene: DOCK2 (dedicator of cytokinesis 2; plus strand). Cytogenetic location: 5q35.1.
Variant type: single nucleotide variant.
Coding change: c.471-2A>G on transcript NM_004946.3 (MANE Select); the canonical splice acceptor site of the intron before coding-DNA position 471, A replaced by G.
Molecular consequence: splice acceptor variant.
Genome position (GRCh38, 1-based): chr5:169,681,742, A>G. VCF-style: chr5-169681742-A-G. GRCh37 (hg19) VCF-style: chr5-169108746-A-G.
Identifiers: ClinVar variation 1065180 (VCV001065180.3), dbSNP rs2113355272, ClinGen allele CA362103122.